The following is an entry in ClinVar:

NM_014314.4(RIGI):c.2185G>A (p.Gly729Ser)

Gene: RIGI (RNA sensor RIG-I; minus strand). Cytogenetic location: 9p21.1.
Variant type: single nucleotide variant.
Coding change: c.2185G>A on transcript NM_014314.4 (MANE Select); coding-DNA position 2185, G replaced by A.
Protein change: p.Gly729Ser; replaces glycine 729 with serine.
Molecular consequence: missense variant. On other transcripts: intron variant (1).
Genome position (GRCh38, 1-based): chr9:32,467,762, C>T on the plus strand (G>A on the coding strand, the complement: RIGI is on the minus strand). VCF-style: chr9-32467762-C-T. GRCh37 (hg19) VCF-style: chr9-32467760-C-T.
Other names: c.2179G>A, p.Gly727Ser (NM_001385907.1); c.1744G>A, p.Gly582Ser (NM_001385910.1); c.1576G>A, p.Gly526Ser (NM_001385912.1); c.2170G>A, p.Gly724Ser (NM_001385913.1); c.1741G>A, p.Gly581Ser (NM_001385914.1); c.2015-1321G>A (NM_001385909.1); short protein forms G581S, G582S, G727S, G729S, G526S, G724S.
Identifiers: ClinVar variation 2893254 (VCV002893254.3), dbSNP rs2489295685, ClinGen allele CA373145962.
Genomic context (GRCh38, chr9:32,467,762, plus strand): 5'-TACACTTATAAATCAGTCAAAACAGAATCCATGTAGGAATGGCCTCAAAGCTTCTCTTAC[C>T]TCTGGTTTGGATCATTTTGATGACATTGCCCACATACTCATAAAGGATGACAAGATTGCA-3'
Protein context (NP_055129.2, residues 719-739): GNVIKMIQTR[Gly729Ser]RGRARGSKCF

ClinVar aggregate classification (germline): Uncertain significance (1 of 4 stars; one submission).

Allele frequency attached by ClinVar (database versions not stated): gnomAD exomes below 0.00001.
gnomAD v4.1: 2 of 1,572,960 alleles (0.00013%); highest among the groups gnomAD compares: Non-Finnish European, 0.00017%; no homozygotes.

Submission:

Labcorp Genetics (formerly Invitae), Labcorp
Classification: Uncertain significance. Last evaluated: 2023-06-20. Review status: criteria provided, single submitter. Criteria: Invitae Variant Classification Sherloc (09022015). Collection method: clinical testing. Allele origin: germline.
Comment: This sequence change replaces glycine, which is neutral and non-polar, with serine, which is neutral and polar, at codon 729 of the DDX58 protein (p.Gly729Ser). This variant also falls at the last nucleotide of exon 15, which is part of the consensus splice site for this exon. In summary, the available evidence is currently insufficient to determine the role of this variant in disease. Therefore, it has been classified as a Variant of Uncertain Significance. Variants that disrupt the consensus splice site are a relatively common cause of aberrant splicing (PMID: 17576681, 9536098). Algorithms developed to predict the effect of sequence changes on RNA splicing suggest that this variant may disrupt the consensus splice site. An algorithm developed to predict the effect of missense changes on protein structure and function (PolyPhen-2) suggests that this variant is likely to be disruptive. This variant has not been reported in the literature in individuals affected with DDX58-related conditions. This variant is not present in population databases (gnomAD no frequency).

Literature cited by the submitters: PubMed 17576681; PubMed 9536098.